The following is an entry in ClinVar:

ClinVar aggregate classification (germline): Uncertain significance (1 of 4 stars; one submission).

Submission:

Labcorp Genetics (formerly Invitae), Labcorp
Classification: Uncertain significance. Last evaluated: 2022-07-24. Review status: criteria provided, single submitter. Criteria: Invitae Variant Classification Sherloc (09022015). Collection method: clinical testing. Allele origin: germline.
Comment: This sequence change replaces glycine, which is neutral and non-polar, with cysteine, which is neutral and slightly polar, at codon 3640 of the ZNF469 protein (p.Gly3640Cys). This variant is not present in population databases (gnomAD no frequency). This variant has not been reported in the literature in individuals affected with ZNF469-related conditions. Algorithms developed to predict the effect of missense changes on protein structure and function are either unavailable or do not agree on the potential impact of this missense change (SIFT: "Tolerated"; PolyPhen-2: "Probably Damaging"; Align-GVGD: "Class C0"). In summary, the available evidence is currently insufficient to determine the role of this variant in disease. Therefore, it has been classified as a Variant of Uncertain Significance.

NM_001367624.2(ZNF469):c.11002G>T (p.Gly3668Cys)

Gene: ZNF469 (zinc finger protein 469; plus strand). Cytogenetic location: 16q24.2.
Variant type: single nucleotide variant.
Coding change: c.11002G>T on transcript NM_001367624.2 (MANE Select); coding-DNA position 11002, G replaced by T.
Protein change: p.Gly3668Cys; replaces glycine 3668 with cysteine.
Molecular consequence: missense variant.
Genome position (GRCh38, 1-based): chr16:88,438,472, G>T. VCF-style: chr16-88438472-G-T. GRCh37 (hg19) VCF-style: chr16-88504880-G-T.
Other names: short protein forms G3668C.
Identifiers: ClinVar variation 1964044 (VCV001964044.2), dbSNP rs2507608133, ClinGen allele CA397128767.